The following is an entry in ClinVar:

NM_020433.5(JPH2):c.1179C>T (p.His393=)

Gene: JPH2 (junctophilin 2; minus strand). Cytogenetic location: 20q13.12.
Variant type: single nucleotide variant.
Coding change: c.1179C>T on transcript NM_020433.5 (MANE Select); coding-DNA position 1179, C replaced by T.
Protein change: p.His393=; no amino-acid change (histidine 393 retained).
Molecular consequence: synonymous variant.
Genome position (GRCh38, 1-based): chr20:44,118,614, G>A on the plus strand (C>T on the coding strand, the complement: JPH2 is on the minus strand). VCF-style: chr20-44118614-G-A. GRCh37 (hg19) VCF-style: chr20-42747254-G-A.
Other names: p.H393H:CAC>CAT; p.His393=.
Identifiers: ClinVar variation 137606 (VCV000137606.25), dbSNP rs7268512, ClinGen allele CA333092.

ClinVar aggregate classification (germline): Benign. Review status: criteria provided, multiple submitters, no conflicts (2 of 4 stars). 10 submissions from 10 submitters: Benign (9). 1 of the submissions does not count toward it. Last evaluated 2026-02-04.

Conditions:
Cardiovascular phenotype. Identifiers: MedGen CN230736.
Hypertrophic cardiomyopathy 17. Identifiers: MedGen C3151264, MONDO:0013474, OMIM 613873.
Hypertrophic cardiomyopathy. Also called: HYPERTROPHIC MYOCARDIOPATHY. Identifiers: Orphanet 217569, MedGen C0007194, MeSH D002312, MONDO:0005045, HP:0001639.

Allele frequency attached by ClinVar (database versions not stated): ExAC 0.07155; 1000 Genomes Project 30x 0.04934; ESP Exome Variant Server 0.09388; TOPMed 0.08112; gnomAD 0.08199 and 0.08526; 1000 Genomes Project 0.04872; gnomAD exomes 0.06879.
gnomAD v4.1: 142,198 of 1,608,650 alleles (8.8%); highest among the groups gnomAD compares: Non-Finnish European, 10%; 6,948 homozygotes.

Submissions (10):

Labcorp Genetics (formerly Invitae), Labcorp
Classification: Benign for Hypertrophic cardiomyopathy. Last evaluated: 2026-02-04. Review status: criteria provided, single submitter. Criteria: Invitae Variant Classification Sherloc (09022015). Collection method: clinical testing. Allele origin: germline.

Molecular Diagnostic Laboratory for Inherited Cardiovascular Disease, Montreal Heart Institute
Classification: Benign. Last evaluated: 2025-04-09. Review status: criteria provided, single submitter. Criteria: ACMG Guidelines, 2015. Collection method: clinical testing. Allele origin: germline. Affected: no.

Blueprint Genetics
Classification: Benign. Last evaluated: 2024-11-28. Review status: criteria provided, single submitter. Criteria: ACMG Guidelines, 2015. Collection method: clinical testing. Allele origin: germline.

Mayo Clinic Laboratories, Mayo Clinic
Classification: Benign. Last evaluated: 2022-04-26. Review status: criteria provided, single submitter. Criteria: ACMG Guidelines, 2015. Collection method: clinical testing. Allele origin: germline. Observed: 167 variant alleles.

Clinical Genetics DNA and cytogenetics Diagnostics Lab, Erasmus MC, Erasmus Medical Center
Classification: Benign for Hypertrophic cardiomyopathy 17. Last evaluated: 2015-09-21. Review status: criteria provided, single submitter. Criteria: ACGS Guidelines, 2013. Collection method: clinical testing. Allele origin: germline. Affected: yes. Study: VKGL Data-share Consensus.

Ambry Genetics
Classification: Benign for Cardiovascular phenotype. Last evaluated: 2015-06-19. Review status: criteria provided, single submitter. Criteria: Ambry Variant Classification Scheme 2023. Collection method: clinical testing. Allele origin: germline.

Laboratory for Molecular Medicine, Mass General Brigham Personalized Medicine
Classification: Benign. Last evaluated: 2014-11-24. Review status: criteria provided, single submitter. Criteria: LMM Criteria. Collection method: clinical testing. Allele origin: germline. Observed: 80 variant alleles.
Comment: His393His in exon 3 of JPH2: This variant is not expected to have clinical signi ficance because it does not alter an amino acid residue and is not located withi n the splice consensus sequence. It has been identified in 10.3% (883/8600) of E uropean American chromosomes from a broad population by the NHLBI Exome Sequenci ng Project (dbSNP rs7268512).

GeneDx
Classification: Benign. Last evaluated: 2013-11-18. Review status: criteria provided, single submitter. Criteria: GeneDx Variant Classification (06012015). Collection method: clinical testing. Allele origin: germline. Affected: yes.
Comment: This variant is considered likely benign or benign based on one or more of the following criteria: it is a conservative change, it occurs at a poorly conserved position in the protein, it is predicted to be benign by multiple in silico algorithms, and/or has population frequency not consistent with disease.

Breakthrough Genomics
Classification: Benign. Review status: criteria provided, single submitter. Criteria: ACMG Guidelines, 2015. Collection method: not provided. Allele origin: germline. Inheritance: Autosomal recessive inheritance. Affected: yes.

Clinical Genetics, Academic Medical Center
Classification: Benign. Review status: no assertion criteria provided. Collection method: clinical testing. Allele origin: germline. Affected: yes. Study: VKGL Data-share Consensus. Not counted in ClinVar's aggregate classification.